The following is an entry in ClinVar:

NM_025216.3(WNT10A):c.242T>C (p.Val81Ala)

Gene: WNT10A (Wnt family member 10A; plus strand). Cytogenetic location: 2q35.
Variant type: single nucleotide variant.
Coding change: c.242T>C on transcript NM_025216.3 (MANE Select); coding-DNA position 242, T replaced by C.
Protein change: p.Val81Ala; replaces valine 81 with alanine.
Molecular consequence: missense variant.
Genome position (GRCh38, 1-based): chr2:218,882,289, T>C. VCF-style: chr2-218882289-T-C. GRCh37 (hg19) VCF-style: chr2-219747011-T-C.
Other names: short protein forms V81A.
Identifiers: ClinVar variation 423769 (VCV000423769.3), dbSNP rs1064796619, ClinGen allele CA16617469.
Genomic context (GRCh38, chr2:218,882,289, plus strand): 5'-GCCTAACATTGCCAGGCCTGAGCCGGCGGCAGATGGAGGTGTGTGTGCGTCACCCTGATG[T>C]GGCTGCCTCAGCCATACAGGGCATCCAGATCGCCATCCACGAATGCCAACACCAATTCAG-3'
Protein context (NP_079492.2, residues 71-91): QMEVCVRHPD[Val81Ala]AASAIQGIQI

ClinVar aggregate classification (germline): Uncertain significance. Review status: criteria provided, multiple submitters, no conflicts (2 of 4 stars). 2 submissions from 2 submitters: Uncertain significance (2). Last evaluated 2025-05-23.

Conditions:
Inborn genetic diseases. Identifiers: MedGen C0950123, MeSH D030342.

Allele frequency attached by ClinVar (database versions not stated): TOPMed below 0.00001; gnomAD 0.00001; gnomAD exomes below 0.00001.
gnomAD v4.1: 6 of 1,614,048 alleles (0.00037%); highest among the groups gnomAD compares: Admixed American, 0.005%; no homozygotes.

Submissions (2):

Ambry Genetics
Classification: Uncertain significance for Inborn genetic diseases. Last evaluated: 2025-05-23. Review status: criteria provided, single submitter. Criteria: Ambry Variant Classification Scheme 2023. Collection method: clinical testing. Allele origin: germline.

GeneDx
Classification: Uncertain significance. Last evaluated: 2017-03-09. Review status: criteria provided, single submitter. Criteria: GeneDx Variant Classification (06012015). Collection method: clinical testing. Allele origin: germline. Affected: yes.
Comment: The V81A variant in the WNT10A gene has not been reported previously as a pathogenic variant, nor as a benign variant, to our knowledge. This variant is not observed in large population cohorts (Lek et al., 2016; 1000 Genomes Consortium et al., 2015; Exome Variant Server). The V81A variant is a conservative amino acid substitution, which is not likely to impact secondary protein structure as these residues share similar properties. This substitution occurs at a position that is conserved across species. In silico analysis is inconsistent in its predictions as to whether or not the variant is damaging to the protein structure/function. We interpret V81A as a variant of uncertain significance.